The following is an entry in ClinVar:

NM_138694.4(PKHD1):c.7328T>A (p.Leu2443Ter)

Gene: PKHD1 (PKHD1 ciliary IPT domain containing fibrocystin/polyductin; minus strand). Cytogenetic location: 6p12.2.
Variant type: single nucleotide variant.
Coding change: c.7328T>A on transcript NM_138694.4 (MANE Select); coding-DNA position 7328, T replaced by A.
Protein change: p.Leu2443Ter; replaces leucine 2443 with a stop codon.
Molecular consequence: nonsense.
Genome position (GRCh38, 1-based): chr6:51,883,115, A>T on the plus strand (T>A on the coding strand, the complement: PKHD1 is on the minus strand). VCF-style: chr6-51883115-A-T. GRCh37 (hg19) VCF-style: chr6-51747913-A-T.
Other names: c.7328T>A, p.Leu2443Ter (NM_170724.3); short protein forms L2443*.
Identifiers: ClinVar variation 1726561 (VCV001726561.2), dbSNP rs2536178510, ClinGen allele CA364421915.
Genomic context (GRCh38, chr6:51,883,115, plus strand): 5'-TGATTGACAGCCTAAAACAACCACACTAAGGCACTTACCTTGTGGGCAAAATGACCAAGT[A>T]ATAAGCTGTCAGTAACTGAAGTATTTGCATCACTTTCCAAGACGTCAATTCCAAAATCTC-3'

ClinVar aggregate classification (germline): Likely pathogenic (1 of 4 stars; one submission).

Conditions:
Polycystic kidney disease 4 (PKD4). Also called: POLYCYSTIC KIDNEY AND HEPATIC DISEASE 1; POLYCYSTIC KIDNEY DISEASE, INFANTILE, TYPE I; POLYCYSTIC KIDNEY DISEASE 4 WITH OR WITHOUT POLYCYSTIC LIVER DISEASE; PKD3; Autosomal Recessive Polycystic Kidney Disease – PKHD1. Identifiers: MedGen C4540575, MONDO:0033004, OMIM 263200.

Submission:

Myriad Genetics, Inc.
Classification: Likely pathogenic for Polycystic kidney disease 4. Last evaluated: 2021-12-21. Review status: criteria provided, single submitter. Criteria: Myriad Women's Health Autosomal Recessive and X-Linked Classification Criteria (2021). Collection method: clinical testing. Allele origin: unknown.
Comment: NM_138694.3(PKHD1):c.7328T>A(L2443*) is expected to be pathogenic in the context of autosomal recessive polycystic kidney disease, PKHD1-related. This variant is predicted to lead to an abnormal or absent protein product due to the creation of a premature termination codon in PKHD1, a gene where loss-of-function variants are known to be pathogenic. Please note: this variant was assessed in the context of healthy population screening.